The following is an entry in ClinVar:

ClinVar aggregate classification (germline): Uncertain significance (1 of 4 stars; one submission).

gnomAD v4.1: 1 of 1,614,194 alleles (0.000062%); highest among the groups gnomAD compares: Non-Finnish European, 0.000085%; no homozygotes.

Submission:

Women's Health and Genetics/Laboratory Corporation of America, LabCorp
Classification: Uncertain significance. Last evaluated: 2025-07-11. Review status: criteria provided, single submitter. Criteria: LabCorp Variant Classification Summary - May 2015. Collection method: clinical testing. Allele origin: germline.
Comment: Variant summary: SETD2 c.2336T>G (p.Val779Gly) results in a non-conservative amino acid change in the encoded protein sequence. Algorithms developed to predict the effect of missense changes on protein structure and function are either unavailable or do not agree on the potential impact of this missense change. The variant was absent in 251376 control chromosomes (gnomAD). The available data on variant occurrences in the general population are insufficient to allow any conclusion about variant significance. To our knowledge, no occurrence of c.2336T>G in individuals affected with Luscan-Lumish Syndrome and no experimental evidence demonstrating its impact on protein function have been reported. No submitters have cited clinical-significance assessments for this variant to ClinVar. Based on the evidence outlined above, the variant was classified as uncertain significance.

NM_014159.7(SETD2):c.2336T>G (p.Val779Gly)

Gene: SETD2 (SET domain containing 2, histone lysine methyltransferase; minus strand). Cytogenetic location: 3p21.31.
Variant type: single nucleotide variant.
Coding change: c.2336T>G on transcript NM_014159.7 (MANE Select); coding-DNA position 2336, T replaced by G.
Protein change: p.Val779Gly; replaces valine 779 with glycine.
Molecular consequence: missense variant. On other transcripts: non-coding transcript variant (1).
Genome position (GRCh38, 1-based): chr3:47,122,300, A>C on the plus strand (T>G on the coding strand, the complement: SETD2 is on the minus strand). VCF-style: chr3-47122300-A-C. GRCh37 (hg19) VCF-style: chr3-47163790-A-C.
Other names: c.2204T>G, p.Val735Gly (NM_001349370.3); short protein forms V735G, V779G.
Identifiers: ClinVar variation 4525960 (VCV004525960.1).